The following is an entry in ClinVar:

ClinVar aggregate classification (germline): Uncertain significance. Review status: criteria provided, single submitter (1 of 4 stars). 2 submissions from 2 submitters: Uncertain significance (1). 1 of the submissions does not count toward it. Last evaluated 2024-07-31.

Conditions:
Renal dysplasia, cystic, susceptibility to. Identifiers: MedGen C3275898, MONDO:0011037, OMIM 601331.

Submissions (2):

Labcorp Genetics (formerly Invitae), Labcorp
Classification: Uncertain significance. Last evaluated: 2024-07-31. Review status: criteria provided, single submitter. Criteria: Invitae Variant Classification Sherloc (09022015). Collection method: clinical testing. Allele origin: germline.
Comment: This sequence change replaces arginine, which is basic and polar, with glycine, which is neutral and non-polar, at codon 313 of the BICC1 protein (p.Arg313Gly). This variant is not present in population databases (gnomAD no frequency). This variant has not been reported in the literature in individuals affected with BICC1-related conditions. ClinVar contains an entry for this variant (Variation ID: 992392). An algorithm developed to predict the effect of missense changes on protein structure and function (PolyPhen-2) suggests that this variant is likely to be disruptive. In summary, the available evidence is currently insufficient to determine the role of this variant in disease. Therefore, it has been classified as a Variant of Uncertain Significance.

Bioscientia Institut fuer Medizinische Diagnostik GmbH, Sonic Healthcare
Classification: Uncertain significance for Renal dysplasia, cystic, susceptibility to. Last evaluated: 2020-01-08. Review status: no assertion criteria provided. Collection method: clinical testing. Allele origin: germline. Affected: yes. Not counted in ClinVar's aggregate classification.

NM_001080512.3(BICC1):c.937A>G (p.Arg313Gly)

Gene: BICC1 (BicC family RNA binding protein 1; plus strand). Cytogenetic location: 10q21.1.
Variant type: single nucleotide variant.
Coding change: c.937A>G on transcript NM_001080512.3 (MANE Select); coding-DNA position 937, A replaced by G.
Protein change: p.Arg313Gly; replaces arginine 313 with glycine.
Molecular consequence: missense variant.
Genome position (GRCh38, 1-based): chr10:58,789,823, A>G. VCF-style: chr10-58789823-A-G. GRCh37 (hg19) VCF-style: chr10-60549583-A-G.
Other names: short protein forms R313G.
Identifiers: ClinVar variation 992392 (VCV000992392.4), dbSNP rs1843122601, ClinGen allele CA376969984.